The following is an entry in ClinVar:

NM_016417.3(GLRX5):c.79C>A (p.Pro27Thr)

Gene: GLRX5 (glutaredoxin 5; plus strand). Cytogenetic location: 14q32.13.
Variant type: single nucleotide variant.
Coding change: c.79C>A on transcript NM_016417.3 (MANE Select); coding-DNA position 79, C replaced by A.
Protein change: p.Pro27Thr; replaces proline 27 with threonine.
Molecular consequence: missense variant.
Genome position (GRCh38, 1-based): chr14:95,535,168, C>A. VCF-style: chr14-95535168-C-A. GRCh37 (hg19) VCF-style: chr14-96001505-C-A.
Other names: short protein forms P27T.
Identifiers: ClinVar variation 2089882 (VCV002089882.4), dbSNP rs993992614, ClinGen allele CA390896267.
Genomic context (GRCh38, chr14:95,535,168, plus strand): 5'-CGAGCTGCGGCGGCTCTGCTCCGCTGGGGGCGCGGCGCGGGCGGCGGTGGCCTTTGGGGT[C>A]CGGGCGTGCGGGCGGCGGGCTCGGGCGCGGGCGGCGGCGGCTCGGCGGAGCAGTTGGACG-3'
Protein context (NP_057501.2, residues 17-37): RGAGGGGLWG[Pro27Thr]GVRAAGSGAG

ClinVar aggregate classification (germline): Uncertain significance (1 of 4 stars; one submission).

Submission:

Labcorp Genetics (formerly Invitae), Labcorp
Classification: Uncertain significance. Last evaluated: 2025-01-06. Review status: criteria provided, single submitter. Criteria: Invitae Variant Classification Sherloc (09022015). Collection method: clinical testing. Allele origin: germline.
Comment: This sequence change replaces proline, which is neutral and non-polar, with threonine, which is neutral and polar, at codon 27 of the GLRX5 protein (p.Pro27Thr). This variant is not present in population databases (gnomAD no frequency). This variant has not been reported in the literature in individuals affected with GLRX5-related conditions. ClinVar contains an entry for this variant (Variation ID: 2089882). An algorithm developed to predict the effect of missense changes on protein structure and function outputs the following: PolyPhen-2: "Not Available". The threonine amino acid residue is found in multiple mammalian species, which suggests that this missense change does not adversely affect protein function. In summary, the available evidence is currently insufficient to determine the role of this variant in disease. Therefore, it has been classified as a Variant of Uncertain Significance.